The following is an entry in ClinVar:

ClinVar aggregate classification (germline): Uncertain significance (1 of 4 stars; one submission).

Conditions:
Malignant hyperthermia, susceptibility to, 5 (MHS5). Also called: CACNA1S-Related Malignant Hyperthermia Susceptibility. Identifiers: Orphanet 423, MedGen C1866077, MONDO:0011163, OMIM 601887.

gnomAD v4.1: 4 of 1,614,244 alleles (0.00025%); highest among the groups gnomAD compares: Non-Finnish European, 0.00034%; no homozygotes.

Submission:

Color Diagnostics, LLC DBA Color Health
Classification: Uncertain significance for Malignant hyperthermia, susceptibility to, 5. Last evaluated: 2025-08-30. Review status: criteria provided, single submitter. Criteria: ACMG Guidelines, 2015. Collection method: clinical testing. Allele origin: germline.
Comment: This missense variant replaces glutamic acid with aspartic acid at codon 1327 of the CACNA1S protein. Computational prediction suggests that this variant may not impact protein structure and function. To our knowledge, functional studies have not been reported for this variant. This variant has not been reported in individuals affected with CACNA1S-related disorders in the literature. This variant has not been identified in the general population by the Genome Aggregation Database (gnomAD). The available evidence is insufficient to determine the role of this variant in disease conclusively. Therefore, this variant is classified as a Variant of Uncertain Significance.

NM_000069.3(CACNA1S):c.3981G>C (p.Glu1327Asp)

Gene: CACNA1S (calcium voltage-gated channel subunit alpha1 S; minus strand). Cytogenetic location: 1q32.1.
Variant type: single nucleotide variant.
Coding change: c.3981G>C on transcript NM_000069.3 (MANE Select); coding-DNA position 3981, G replaced by C.
Protein change: p.Glu1327Asp; replaces glutamic acid 1327 with aspartic acid.
Molecular consequence: missense variant.
Genome position (GRCh38, 1-based): chr1:201,051,116, C>G on the plus strand (G>C on the coding strand, the complement: CACNA1S is on the minus strand). VCF-style: chr1-201051116-C-G. GRCh37 (hg19) VCF-style: chr1-201020244-C-G.
Other names: short protein forms E1327D.
Identifiers: ClinVar variation 4756249 (VCV004756249.1).